The following is an entry in ClinVar:

ClinVar aggregate classification (germline): Benign/Likely benign. Review status: criteria provided, multiple submitters, no conflicts (2 of 4 stars). 2 submissions from 2 submitters: Benign (1); Likely benign (1). Last evaluated 2025-02-04.

Conditions:
Hereditary nonpolyposis colorectal neoplasms. Identifiers: MedGen C0009405, MeSH D003123.
Lynch syndrome 4 (LYNCH4). Also called: Colorectal cancer, hereditary nonpolyposis, type 4; Hereditary non-polyposis colorectal cancer, type 4. Identifiers: Orphanet 144, MedGen C1838333, MONDO:0013699, OMIM 614337. Disease mechanism: loss of function.

Submissions (2):

Myriad Genetics, Inc.
Classification: Benign for Lynch syndrome 4. Last evaluated: 2025-02-04. Review status: criteria provided, single submitter. Criteria: Myriad Autosomal Dominant, Autosomal Recessive and X-Linked Classification Criteria (2023). Collection method: clinical testing. Allele origin: unknown.
Comment: This variant is considered benign. This variant is a silent/synonymous amino acid change and it is not expected to impact splicing.

Labcorp Genetics (formerly Invitae), Labcorp
Classification: Likely benign for Hereditary nonpolyposis colorectal neoplasms. Last evaluated: 2024-07-30. Review status: criteria provided, single submitter. Criteria: Invitae Variant Classification Sherloc (09022015). Collection method: clinical testing. Allele origin: germline.

NM_000535.7(PMS2):c.2403C>G (p.Ser801=)

Gene: PMS2 (PMS1 homolog 2, mismatch repair system component; minus strand). Cytogenetic location: 7p22.1.
Variant type: single nucleotide variant.
Coding change: c.2403C>G on transcript NM_000535.7 (MANE Select); coding-DNA position 2403, C replaced by G.
Protein change: p.Ser801=; no amino-acid change (serine 801 retained).
Molecular consequence: synonymous variant. On other transcripts: non-coding transcript variant (1).
Genome position (GRCh38, 1-based): chr7:5,977,630, G>C on the plus strand (C>G on the coding strand, the complement: PMS2 is on the minus strand). VCF-style: chr7-5977630-G-C. GRCh37 (hg19) VCF-style: chr7-6017261-G-C.
Other names: c.1998C>G, p.Ser666= (NM_001322003.2, NM_001322004.2, NM_001322005.2); c.2247C>G, p.Ser749= (NM_001322006.2); c.2085C>G, p.Ser695= (NM_001322007.2, NM_001322008.2); c.2031C>G, p.Ser677= (NM_001322009.2); c.1842C>G, p.Ser614= (NM_001322010.2); c.1470C>G, p.Ser490= (NM_001322011.2, NM_001322012.2); c.1830C>G, p.Ser610= (NM_001322013.2); c.2436C>G, p.Ser812= (NM_001322014.2); and 1 more.
Identifiers: ClinVar variation 1657968 (VCV001657968.9), dbSNP rs1554293820, ClinGen allele CA453642344.